The following is an entry in ClinVar:

NM_181552.4(CUX1):c.4503C>T (p.Ile1501=)

Gene: CUX1 (cut like homeobox 1; plus strand). Cytogenetic location: 7q22.1.
Variant type: single nucleotide variant.
Coding change: c.4503C>T on transcript NM_181552.4 (MANE Select); coding-DNA position 4503, C replaced by T.
Protein change: p.Ile1501=; no amino-acid change (isoleucine 1501 retained).
Molecular consequence: synonymous variant. On other transcripts: intron variant (5).
Genome position (GRCh38, 1-based): chr7:102,249,027, C>T. VCF-style: chr7-102249027-C-T. GRCh37 (hg19) VCF-style: chr7-101892307-C-T.
Other names: c.4536C>T, p.Ile1512= (NM_001202543.2); c.1256-24339C>T (NM_001913.5); c.1250-24339C>T (NM_181500.4); c.1118-24339C>T (NM_001202545.3); c.1208-24339C>T (NM_001202544.3); c.1139-24339C>T (NM_001202546.3).
Identifiers: ClinVar variation 788786 (VCV000788786.38), dbSNP rs202056533, ClinGen allele CA4411547.

ClinVar aggregate classification (germline): Likely benign. Review status: criteria provided, multiple submitters, no conflicts (2 of 4 stars). 3 submissions from 3 submitters: Likely benign (3). Last evaluated 2026-06-01.

Allele frequency attached by ClinVar (database versions not stated): 1000 Genomes Project 30x 0.00031; 1000 Genomes Project 0.00060; ESP Exome Variant Server 0.00064; gnomAD exomes 0.00120; gnomAD 0.00134 and 0.00135; TOPMed 0.00151; ExAC 0.00184.
gnomAD v4.1: 1,500 of 1,365,014 alleles (0.11%); highest among the groups gnomAD compares: Middle Eastern, 0.74%; 1 homozygote.

Submissions (3):

CeGaT Center for Human Genetics Tuebingen
Classification: Likely benign. Last evaluated: 2026-06-01. Review status: criteria provided, single submitter. Criteria: CeGaT Center For Human Genetics Tuebingen Variant Classification Criteria Version 2. Collection method: clinical testing. Allele origin: germline. Affected: yes. Observed: 13 variant alleles.
Comment: CUX1: BP4, BP7, BS1

Labcorp Genetics (formerly Invitae), Labcorp
Classification: Likely benign. Last evaluated: 2019-12-31. Review status: criteria provided, single submitter. Criteria: Invitae Variant Classification Sherloc (09022015). Collection method: clinical testing. Allele origin: germline.

Breakthrough Genomics
Classification: Likely benign. Review status: criteria provided, single submitter. Criteria: ACMG Guidelines, 2015. Collection method: not provided. Allele origin: germline. Inheritance: Autosomal dominant inheritance. Affected: yes.